The following is an entry in ClinVar:

NM_002184.4(IL6ST):c.2653G>A (p.Val885Ile)

Gene: IL6ST (interleukin 6 cytokine family signal transducer; minus strand). Cytogenetic location: 5q11.2.
Variant type: single nucleotide variant.
Coding change: c.2653G>A on transcript NM_002184.4 (MANE Select); coding-DNA position 2653, G replaced by A.
Protein change: p.Val885Ile; replaces valine 885 with isoleucine.
Molecular consequence: missense variant. On other transcripts: 3 prime UTR variant (1), non-coding transcript variant (2).
Genome position (GRCh38, 1-based): chr5:55,941,186, C>T on the plus strand (G>A on the coding strand, the complement: IL6ST is on the minus strand). VCF-style: chr5-55941186-C-T. GRCh37 (hg19) VCF-style: chr5-55237014-C-T.
Other names: c.2470G>A, p.Val824Ile (NM_001190981.2); c.2551G>A, p.Val851Ile (NM_001364275.2); c.2443G>A, p.Val815Ile (NM_001364276.2); c.1786G>A, p.Val596Ile (NM_001364277.2); c.1750G>A, p.Val584Ile (NM_001364278.2); c.1657G>A, p.Val553Ile (NM_001364279.2); c.*1580G>A (NM_175767.3); short protein forms V553I, V584I, V596I, V851I, V824I, V885I, V815I.
Identifiers: ClinVar variation 774177 (VCV000774177.13), dbSNP rs61748224, ClinGen allele CA3271118.

ClinVar aggregate classification (germline): Benign. Review status: criteria provided, single submitter (1 of 4 stars). 2 submissions from 2 submitters: Benign (1). 1 of the submissions does not count toward it. Last evaluated 2026-02-03.

Conditions:
IL6ST-related disorder. Also called: IL6ST-related condition.

Allele frequency attached by ClinVar (database versions not stated): TOPMed 0.00167; ESP Exome Variant Server 0.00169; 1000 Genomes Project 30x 0.00187; gnomAD 0.00188 and 0.00231; 1000 Genomes Project 0.00200; gnomAD exomes 0.00342 and 0.00382; ExAC 0.00393.
gnomAD v4.1: 5,340 of 1,614,144 alleles (0.33%); highest among the groups gnomAD compares: South Asian, 1.8%; 34 homozygotes.

Submissions (2):

Labcorp Genetics (formerly Invitae), Labcorp
Classification: Benign. Last evaluated: 2026-02-03. Review status: criteria provided, single submitter. Criteria: Invitae Variant Classification Sherloc (09022015). Collection method: clinical testing. Allele origin: germline.

PreventionGenetics, part of Exact Sciences
Classification: Benign for IL6ST-related condition. Last evaluated: 2019-11-26. Review status: no assertion criteria provided. Collection method: clinical testing. Allele origin: germline. Not counted in ClinVar's aggregate classification.
Comment: This variant is classified as benign based on ACMG/AMP sequence variant interpretation guidelines (Richards et al. 2015 PMID: 25741868, with internal and published modifications).